The following is an entry in ClinVar:

ClinVar aggregate classification (germline): Likely benign (1 of 4 stars; one submission).

Allele frequency attached by ClinVar (database versions not stated): gnomAD exomes 0.00001.
gnomAD v4.1: 9 of 1,614,124 alleles (0.00056%); highest among the groups gnomAD compares: Non-Finnish European, 0.00076%; no homozygotes.

Submission:

CeGaT Center for Human Genetics Tuebingen
Classification: Likely benign. Last evaluated: 2023-08-01. Review status: criteria provided, single submitter. Criteria: CeGaT Center For Human Genetics Tuebingen Variant Classification Criteria Version 2. Collection method: clinical testing. Allele origin: germline. Affected: yes. Observed: 1 variant allele.
Comment: TRIM32: BP4

NM_012210.4(TRIM32):c.452A>C (p.Glu151Ala)

Genes: ASTN2 (astrotactin 2; minus strand), TRIM32 (tripartite motif containing 32; plus strand). Cytogenetic location: 9q33.1.
Variant type: single nucleotide variant.
Coding change: c.452A>C on transcript NM_012210.4 (MANE Select); coding-DNA position 452, A replaced by C.
Protein change: p.Glu151Ala; replaces glutamic acid 151 with alanine.
Molecular consequence: missense variant. On other transcripts: intron variant (3).
Genome position (GRCh38, 1-based): chr9:116,698,194, A>C. VCF-style: chr9-116698194-A-C. GRCh37 (hg19) VCF-style: chr9-119460473-A-C.
Other names: c.2794+27577T>G (NM_001365069.1); c.2806+27577T>G (NM_001365068.1); c.452A>C, p.Glu151Ala (NM_001099679.2, NM_001379048.1, NM_001379049.1 and 1 more transcripts); c.2653+27577T>G (NM_014010.5); short protein forms E151A.
Identifiers: ClinVar variation 2659465 (VCV002659465.24), dbSNP rs1391229018, ClinGen allele CA374648569.
Genomic context (GRCh38, chr9:116,698,194, plus strand): 5'-CTGGCCACTGTACACTCCCTGTCAAAGAAGCAGCTGAGGAGCGGCGTCGGGACTTTGGAG[A>C]GAAGTTAACTCGTCTGCGGGAACTTATGGGGGAGCTGCAGCGGCGGAAGGCAGCCTTGGA-3'
Protein context (NP_036342.2, residues 141-161): AAEERRRDFG[Glu151Ala]KLTRLRELMG